The following is an entry in ClinVar:

NM_001379451.1(BCORL1):c.3641G>A (p.Arg1214His)

Gene: BCORL1 (BCL6 corepressor like 1; plus strand). Cytogenetic location: Xq26.1.
Variant type: single nucleotide variant.
Coding change: c.3641G>A on transcript NM_001379451.1 (MANE Select); coding-DNA position 3641, G replaced by A.
Protein change: p.Arg1214His; replaces arginine 1214 with histidine.
Molecular consequence: missense variant.
Genome position (GRCh38, 1-based): chrX:130,022,930, G>A. VCF-style: chrX-130022930-G-A. GRCh37 (hg19) VCF-style: chrX-129156905-G-A.
Other names: c.3641G>A, p.Arg1214His (NM_001184772.3, NM_001379450.1, NM_021946.5); short protein forms R1214H.
Identifiers: ClinVar variation 3360251 (VCV003360251.1).

ClinVar aggregate classification (germline): Uncertain significance (1 of 4 stars; one submission).

gnomAD v4.1: 2 of 1,211,742 alleles (0.00017%); no homozygotes.

Submission:

GeneDx
Classification: Uncertain significance. Last evaluated: 2023-06-22. Review status: criteria provided, single submitter. Criteria: GeneDx Variant Classification Process June 2021. Collection method: clinical testing. Allele origin: germline. Affected: yes.
Comment: In silico analysis supports that this missense variant does not alter protein structure/function; Has not been previously published as pathogenic or benign to our knowledge